The following is an entry in ClinVar:

ClinVar aggregate classification (germline): Pathogenic. Review status: criteria provided, single submitter (1 of 4 stars). 2 submissions from 2 submitters: Pathogenic (1). 1 of the submissions does not count toward it. Last evaluated 2024-08-12.

Conditions:
Hereditary diffuse leukoencephalopathy with spheroids. Also called: LEUKOENCEPHALOPATHY, ADULT-ONSET, WITH AXONAL SPHEROIDS AND PIGMENTED GLIA. Identifiers: Orphanet 313808, MedGen C3711381, MONDO:0030796.

Submissions (2):

Labcorp Genetics (formerly Invitae), Labcorp
Classification: Pathogenic. Last evaluated: 2024-08-12. Review status: criteria provided, single submitter. Criteria: Invitae Variant Classification Sherloc (09022015). Collection method: clinical testing. Allele origin: germline.
Comment: This sequence change replaces methionine, which is neutral and non-polar, with threonine, which is neutral and polar, at codon 875 of the CSF1R protein (p.Met875Thr). This variant is not present in population databases (gnomAD no frequency). This missense change has been observed in individuals with clinical features of hereditary diffuse leukoencephalopathy with spheroids (PMID: 22197934; Invitae). It has also been observed to segregate with disease in related individuals. ClinVar contains an entry for this variant (Variation ID: 29810). Invitae Evidence Modeling of protein sequence and biophysical properties (such as structural, functional, and spatial information, amino acid conservation, physicochemical variation, residue mobility, and thermodynamic stability) has been performed for this missense variant. However, the output from this modeling did not meet the statistical confidence thresholds required to predict the impact of this variant on CSF1R protein function. Experimental studies have shown that this missense change affects CSF1R function (PMID: 22197934, 23408870, 24120500, 24145216, 24336230). For these reasons, this variant has been classified as Pathogenic.

OMIM
Classification: Pathogenic for LEUKOENCEPHALOPATHY, HEREDITARY DIFFUSE, WITH SPHEROIDS. Last evaluated: 2011-12-25. Review status: no assertion criteria provided. Collection method: literature only. Allele origin: germline. Not counted in ClinVar's aggregate classification.

Literature cited by the submitters: PubMed 22197934 (cited by Labcorp Genetics (formerly Invitae), Labcorp and OMIM); PubMed 23408870 (cited by Labcorp Genetics (formerly Invitae), Labcorp); PubMed 24120500 (cited by Labcorp Genetics (formerly Invitae), Labcorp); PubMed 24145216 (cited by Labcorp Genetics (formerly Invitae), Labcorp); PubMed 24336230 (cited by Labcorp Genetics (formerly Invitae), Labcorp); PubMed 19153373 (cited by OMIM).

NM_001288705.3(CSF1R):c.2624T>C (p.Met875Thr)

Gene: CSF1R (colony stimulating factor 1 receptor; minus strand). Cytogenetic location: 5q32.
Variant type: single nucleotide variant.
Coding change: c.2624T>C on transcript NM_001288705.3 (MANE Select); coding-DNA position 2624, T replaced by C.
Protein change: p.Met875Thr; replaces methionine 875 with threonine.
Molecular consequence: missense variant. On other transcripts: non-coding transcript variant (2).
Genome position (GRCh38, 1-based): chr5:150,055,267, A>G on the plus strand (T>C on the coding strand, the complement: CSF1R is on the minus strand). VCF-style: chr5-150055267-A-G. GRCh37 (hg19) VCF-style: chr5-149434830-A-G.
Other names: c.2624T>C, p.Met875Thr (NM_001349736.2, NM_001375320.1, NM_005211.4); c.2180T>C, p.Met727Thr (NM_001375321.1); short protein forms M875T, M727T.
Identifiers: ClinVar variation 29810 (VCV000029810.5), dbSNP rs281860279, ClinGen allele CA342704.